The following is an entry in ClinVar:

NM_001142864.4(PIEZO1):c.849-3C>A

Genes: HSALR1 (HSP90AB1 associated lncRNA 1; plus strand), PIEZO1 (piezo type mechanosensitive ion channel component 1 (Er blood group); minus strand). Cytogenetic location: 16q24.3.
Variant type: single nucleotide variant.
Coding change: c.849-3C>A on transcript NM_001142864.4 (MANE Select); 3 bases into the intron before coding-DNA position 849, C replaced by A.
Molecular consequence: intron variant. On other transcripts: non-coding transcript variant (1).
Genome position (GRCh38, 1-based): chr16:88,738,108, G>T on the plus strand (C>A on the coding strand, the complement: PIEZO1 is on the minus strand). VCF-style: chr16-88738108-G-T. GRCh37 (hg19) VCF-style: chr16-88804516-G-T.
Identifiers: ClinVar variation 4779675 (VCV004779675.1).

ClinVar aggregate classification (germline): Uncertain significance (1 of 4 stars; one submission).

Submission:

Labcorp Genetics (formerly Invitae), Labcorp
Classification: Uncertain significance. Last evaluated: 2025-10-04. Review status: criteria provided, single submitter. Criteria: Invitae Variant Classification Sherloc (09022015). Collection method: clinical testing. Allele origin: germline.
Comment: This sequence change falls in intron 7 of the PIEZO1 gene. It does not directly change the encoded amino acid sequence of the PIEZO1 protein. It affects a nucleotide within the consensus splice site. This variant is not present in population databases (gnomAD no frequency). This variant has not been reported in the literature in individuals affected with PIEZO1-related conditions. Variants that disrupt the consensus splice site are a relatively common cause of aberrant splicing (PMID: 17576681, 9536098). Algorithms developed to predict the effect of sequence changes on RNA splicing suggest that this variant may disrupt the consensus splice site. In summary, the available evidence is currently insufficient to determine the role of this variant in disease. Therefore, it has been classified as a Variant of Uncertain Significance.

Literature cited by the submitters: PubMed 17576681; PubMed 9536098.